The following is an entry in ClinVar:

ClinVar aggregate classification (germline): Likely pathogenic (1 of 4 stars; one submission).

Conditions:
MED12L-associated neurodevelopmental disorder.

Submission:

Clinical Genomics Laboratory, Stanford Medicine
Classification: Likely pathogenic for MED12L-associated neurodevelopmental disorder. Last evaluated: 2022-03-01. Review status: criteria provided, single submitter. Criteria: ACMG Guidelines, 2015. Collection method: clinical testing. Allele origin: maternal. Inheritance: Autosomal dominant inheritance. Affected: yes. Observed: 2 variant alleles, 2 heterozygotes. Clinical features observed: Refractory epilepsy.
Comment: The c.4485+1G>A variant in the MED12L gene has not been previously reported in association with disease. This variant was absent from large population databases, including the Genome Aggregation Database. This variant alters the canonical donor splice site in intron 30, which is predicted to result in abnormal gene splicing. Heterozygous loss of function is an established mechanism of disease for the MED12L gene. These data were assessed using the ACMG/AMP variant interpretation guidelines. In summary, there is sufficient evidence to classify the c.4485+1G>A variant as likely pathogenic for MED12L-associated neurodevelopmental disorder in an autosomal dominant manner based on the information above. [ACMG evidence codes used: PVS1_Strong; PM2]

NM_001393769.1(MED12L):c.4590+1G>A

Genes: MED12L (mediator complex subunit 12L; plus strand), P2RY12 (purinergic receptor P2Y12; minus strand). Cytogenetic location: 3q25.1.
Variant type: single nucleotide variant.
Coding change: c.4590+1G>A on transcript NM_001393769.1 (MANE Select); the canonical splice donor site of the intron after coding-DNA position 4590, G replaced by A.
Molecular consequence: splice donor variant. On other transcripts: intron variant (1).
Genome position (GRCh38, 1-based): chr3:151,380,225, G>A. VCF-style: chr3-151380225-G-A. GRCh37 (hg19) VCF-style: chr3-151098013-G-A.
Other names: c.4485+1G>A (NM_053002.6); c.-180+4467C>T (NM_022788.5).
Identifiers: ClinVar variation 3897937 (VCV003897937.1).
Genomic context (GRCh38, chr3:151,380,225, plus strand): 5'-AAGGGACAAGATGAACAAAGGGAAGGCCTCCTAACATCTCTCCAGAATCAAGTTAACCAG[G>A]TAAAGTATAGTATAATATTAAGACAGGCAAATATCTTTCTAACGGCATTCATTTATTTGC-3'